The following is an entry in ClinVar:

ClinVar aggregate classification (germline): Uncertain significance (1 of 4 stars; one submission).

Conditions:
Rhabdoid tumor predisposition syndrome 2 (RTPS2). Identifiers: Orphanet 231108, Orphanet 69077, MedGen C2750074, MONDO:0013224, OMIM 613325.

Submission:

Labcorp Genetics (formerly Invitae), Labcorp
Classification: Uncertain significance for Rhabdoid tumor predisposition syndrome 2. Last evaluated: 2022-04-08. Review status: criteria provided, single submitter. Criteria: Invitae Variant Classification Sherloc (09022015). Collection method: clinical testing. Allele origin: germline.
Comment: This sequence change replaces glutamic acid, which is acidic and polar, with glutamine, which is neutral and polar, at codon 1621 of the SMARCA4 protein (p.Glu1621Gln). This variant is not present in population databases (gnomAD no frequency). This variant has not been reported in the literature in individuals affected with SMARCA4-related conditions. Algorithms developed to predict the effect of missense changes on protein structure and function (SIFT, PolyPhen-2, Align-GVGD) all suggest that this variant is likely to be tolerated. In summary, the available evidence is currently insufficient to determine the role of this variant in disease. Therefore, it has been classified as a Variant of Uncertain Significance.

NM_003072.5(SMARCA4):c.4765G>C (p.Glu1589Gln)

Gene: SMARCA4 (SWI/SNF related BAF chromatin remodeling complex subunit ATPase 4; plus strand). Cytogenetic location: 19p13.2.
Variant type: single nucleotide variant.
Coding change: c.4765G>C on transcript NM_003072.5 (MANE Select); coding-DNA position 4765, G replaced by C.
Protein change: p.Glu1589Gln; replaces glutamic acid 1589 with glutamine.
Molecular consequence: missense variant. On other transcripts: non-coding transcript variant (1).
Genome position (GRCh38, 1-based): chr19:11,059,882, G>C. VCF-style: chr19-11059882-G-C. GRCh37 (hg19) VCF-style: chr19-11170558-G-C.
Other names: c.4765G>C, p.Glu1589Gln (NM_001128844.3); c.4675G>C, p.Glu1559Gln (NM_001128845.2); c.4672G>C, p.Glu1558Gln (NM_001128846.2); c.4666G>C, p.Glu1556Gln (NM_001128847.4, NM_001374457.1); c.4663G>C, p.Glu1555Gln (NM_001128848.2); c.4861G>C, p.Glu1621Gln (NM_001128849.3, NM_001387283.1); c.4762G>C, p.Glu1588Gln (NM_001411150.1); short protein forms E1556Q, E1621Q, E1589Q, E1555Q, E1558Q, E1559Q, E1588Q.
Identifiers: ClinVar variation 2123089 (VCV002123089.4), dbSNP rs141826721, ClinGen allele CA404079922.